The following is an entry in ClinVar:

ClinVar aggregate classification (germline): Uncertain significance. Review status: criteria provided, single submitter (1 of 4 stars). 2 submissions from 2 submitters: Uncertain significance (1). 1 of the submissions does not count toward it. Last evaluated 2023-06-27.

Allele frequency attached by ClinVar (database versions not stated): gnomAD exomes below 0.00001.
gnomAD v4.1: 2 of 1,614,152 alleles (0.00012%); highest among the groups gnomAD compares: Non-Finnish European, 0.000085%; no homozygotes.

Submissions (2):

Labcorp Genetics (formerly Invitae), Labcorp
Classification: Uncertain significance. Last evaluated: 2023-06-27. Review status: criteria provided, single submitter. Criteria: Invitae Variant Classification Sherloc (09022015). Collection method: clinical testing. Allele origin: germline.
Comment: In summary, the available evidence is currently insufficient to determine the role of this variant in disease. Therefore, it has been classified as a Variant of Uncertain Significance. Advanced modeling of protein sequence and biophysical properties (such as structural, functional, and spatial information, amino acid conservation, physicochemical variation, residue mobility, and thermodynamic stability) has been performed at Invitae for this missense variant, however the output from this modeling did not meet the statistical confidence thresholds required to predict the impact of this variant on MYH9 protein function. ClinVar contains an entry for this variant (Variation ID: 591317). This variant has not been reported in the literature in individuals affected with MYH9-related conditions. This variant is not present in population databases (gnomAD no frequency). This sequence change replaces glutamic acid, which is acidic and polar, with lysine, which is basic and polar, at codon 1232 of the MYH9 protein (p.Glu1232Lys).

Gharavi Laboratory, Columbia University
Classification: Uncertain significance. Last evaluated: 2018-09-16. Review status: no assertion criteria provided. Criteria: ACMG Guidelines, 2015. Collection method: research. Allele origin: germline. Affected: yes. Not counted in ClinVar's aggregate classification.

NM_002473.6(MYH9):c.3694G>A (p.Glu1232Lys)

Gene: MYH9 (myosin heavy chain 9; minus strand). Cytogenetic location: 22q12.3.
Variant type: single nucleotide variant.
Coding change: c.3694G>A on transcript NM_002473.6 (MANE Select); coding-DNA position 3694, G replaced by A.
Protein change: p.Glu1232Lys; replaces glutamic acid 1232 with lysine.
Molecular consequence: missense variant.
Genome position (GRCh38, 1-based): chr22:36,294,235, C>T on the plus strand (G>A on the coding strand, the complement: MYH9 is on the minus strand). VCF-style: chr22-36294235-C-T. GRCh37 (hg19) VCF-style: chr22-36690281-C-T.
Other names: short protein forms E1232K.
Identifiers: ClinVar variation 591317 (VCV000591317.4), dbSNP rs1569534975, ClinGen allele CA411386679.